The following is an entry in ClinVar:

NM_006231.4(POLE):c.3476del (p.Pro1159fs)

Gene: POLE (DNA polymerase epsilon, catalytic subunit; minus strand). Cytogenetic location: 12q24.33.
Variant type: Deletion.
Coding change: c.3476del on transcript NM_006231.4 (MANE Select); coding-DNA position 3476, one base deleted (C; older notation c.3476delC).
Protein change: p.Pro1159fs; shifts the reading frame from proline 1159.
Molecular consequence: frameshift variant.
Genome position (GRCh38, 1-based): chr12:132,657,242, G deleted on the plus strand (C on the coding strand, the reverse complement: POLE is on the minus strand); the first of 2 consecutive G bases (chr12:132,657,242-132,657,243); deleting either gives the same sequence. VCF-style (leftmost placement, unchanged base first): chr12-132657241-TG-T. GRCh37 (hg19) VCF-style: chr12-133233827-TG-T.
Other names: short protein forms P1159fs.
Identifiers: ClinVar variation 1390057 (VCV001390057.6), dbSNP rs2138657518, ClinGen allele CA2573148214.

ClinVar aggregate classification (germline): Pathogenic (1 of 4 stars; one submission).

Submission:

Labcorp Genetics (formerly Invitae), Labcorp
Classification: Pathogenic. Last evaluated: 2022-05-12. Review status: criteria provided, single submitter. Criteria: Invitae Variant Classification Sherloc (09022015). Collection method: clinical testing. Allele origin: germline.
Comment: For these reasons, this variant has been classified as Pathogenic. This variant has not been reported in the literature in individuals affected with POLE-related conditions. This variant is not present in population databases (gnomAD no frequency). This sequence change creates a premature translational stop signal (p.Pro1159Hisfs*60) in the POLE gene. It is expected to result in an absent or disrupted protein product. Loss-of-function variants in POLE are known to be pathogenic (PMID: 23230001, 25948378, 30503519).

Literature cited by the submitters: PubMed 23230001; PubMed 25948378; PubMed 30503519.